The following is an entry in ClinVar:

NM_020937.4(FANCM):c.3889C>T (p.Pro1297Ser)

Gene: FANCM (FA complementation group M; plus strand). Cytogenetic location: 14q21.2.
Variant type: single nucleotide variant.
Coding change: c.3889C>T on transcript NM_020937.4 (MANE Select); coding-DNA position 3889, C replaced by T.
Protein change: p.Pro1297Ser; replaces proline 1297 with serine.
Molecular consequence: missense variant.
Genome position (GRCh38, 1-based): chr14:45,176,643, C>T. VCF-style: chr14-45176643-C-T. GRCh37 (hg19) VCF-style: chr14-45645846-C-T.
Other names: c.3811C>T, p.Pro1271Ser (NM_001308133.2); c.3889C>T (NM_020937.2); short protein forms P1297S, P1271S.
Identifiers: ClinVar variation 1436506 (VCV001436506.8), dbSNP rs753821216, ClinGen allele CA7169592.

ClinVar aggregate classification (germline): Uncertain significance. Review status: criteria provided, multiple submitters, no conflicts (2 of 4 stars). 2 submissions from 2 submitters: Uncertain significance (2). Last evaluated 2025-10-04.

Conditions:
Inborn genetic diseases. Identifiers: MedGen C0950123, MeSH D030342.
Fanconi anemia (FA). Also called: Fanconi's anemia. Identifiers: Orphanet 84, MedGen C0015625, MeSH D005199, MONDO:0019391.

Allele frequency attached by ClinVar (database versions not stated): TOPMed below 0.00001; ExAC 0.00001; gnomAD 0.00001; gnomAD exomes 0.00001.
gnomAD v4.1: 12 of 1,613,262 alleles (0.00074%); highest among the groups gnomAD compares: Admixed American, 0.0033%; no homozygotes.

Submissions (2):

Labcorp Genetics (formerly Invitae), Labcorp
Classification: Uncertain significance for Fanconi anemia. Last evaluated: 2025-10-04. Review status: criteria provided, single submitter. Criteria: Invitae Variant Classification Sherloc (09022015). Collection method: clinical testing. Allele origin: germline.
Comment: This sequence change replaces proline, which is neutral and non-polar, with serine, which is neutral and polar, at codon 1297 of the FANCM protein (p.Pro1297Ser). This variant is present in population databases (rs753821216, gnomAD 0.003%). This variant has not been reported in the literature in individuals affected with FANCM-related conditions. ClinVar contains an entry for this variant (Variation ID: 1436506). An algorithm developed to predict the effect of missense changes on protein structure and function outputs the following: PolyPhen-2: "Benign". The serine amino acid residue is found in multiple mammalian species, which suggests that this missense change does not adversely affect protein function. In summary, the available evidence is currently insufficient to determine the role of this variant in disease. Therefore, it has been classified as a Variant of Uncertain Significance.

Ambry Genetics
Classification: Uncertain significance for Inborn genetic diseases. Last evaluated: 2025-09-04. Review status: criteria provided, single submitter. Criteria: Ambry Variant Classification Scheme 2023. Collection method: clinical testing. Allele origin: germline.